The following is an entry in ClinVar:

ClinVar aggregate classification (germline): Uncertain significance. Review status: criteria provided, multiple submitters, no conflicts (2 of 4 stars). 2 submissions from 2 submitters: Uncertain significance (2). Last evaluated 2024-02-05.

Conditions:
Cardiomyopathy (CMYO). Also called: Cardiomyopathies. Identifiers: Orphanet 167848, MedGen C0878544, MONDO:0004994, HP:0001638. Inheritance: Various modes of inheritance.
Hypertrophic cardiomyopathy. Also called: HYPERTROPHIC MYOCARDIOPATHY. Identifiers: Orphanet 217569, MedGen C0007194, MeSH D002312, MONDO:0005045, HP:0001639.

Allele frequency attached by ClinVar (database versions not stated): gnomAD exomes below 0.00001; TOPMed below 0.00001; gnomAD 0.00001.
gnomAD v4.1: 2 of 1,613,882 alleles (0.00012%); highest among the groups gnomAD compares: Non-Finnish European, 0.00017%; no homozygotes.

Submissions (2):

All of Us Research Program, National Institutes of Health
Classification: Uncertain significance for Hypertrophic cardiomyopathy. Last evaluated: 2024-02-05. Review status: criteria provided, single submitter. Criteria: ACMG Guidelines, 2015. Collection method: clinical testing. Allele origin: germline. Inheritance: Autosomal dominant inheritance. Observed: 1 variant allele, 1 heterozygote.
Comment: Variant of Uncertain Significance due to insufficient evidence: This missense variant is located in the Ig-like domain C5 of the MYBPC3 protein. Computational prediction tools and conservation analyses are inconclusive regarding the impact of this variant on the protein function. Computational splicing tools suggest that this variant may not impact RNA splicing. To our knowledge, functional assays have not been performed for this variant nor has this variant been reported in individuals affected with cardiovascular disorders in the literature. This variant is rare in the general population and has been identified in 0/277264 chromosomes by the Genome Aggregation Database (gnomAD). Available evidence is insufficient to determine the pathogenicity of this variant conclusively.

This study involves interpretation of variants in research participants for the purpose of population health screening. Participant phenotype was not available at the time of variant classification. Additional details can be found in publication PMID: 35346344, PMCID: PMC8962531

Color Diagnostics, LLC DBA Color Health
Classification: Uncertain significance for Cardiomyopathy. Last evaluated: 2023-12-04. Review status: criteria provided, single submitter. Criteria: ACMG Guidelines, 2015. Collection method: clinical testing. Allele origin: germline.
Comment: Variant of Uncertain Significance due to insufficient evidence: This missense variant is located in the Ig-like domain C5 of the MYBPC3 protein. Computational prediction tools and conservation analyses are inconclusive regarding the impact of this variant on the protein function. Computational splicing tools suggest that this variant may not impact RNA splicing. To our knowledge, functional assays have not been performed for this variant nor has this variant been reported in individuals affected with cardiovascular disorders in the literature. This variant is rare in the general population and has been identified in 0/277264 chromosomes by the Genome Aggregation Database (gnomAD). Available evidence is insufficient to determine the pathogenicity of this variant conclusively.

NM_000256.3(MYBPC3):c.2126A>T (p.Asp709Val)

Gene: MYBPC3 (myosin binding protein C3; minus strand). Cytogenetic location: 11p11.2.
Variant type: single nucleotide variant.
Coding change: c.2126A>T on transcript NM_000256.3 (MANE Select); coding-DNA position 2126, A replaced by T.
Protein change: p.Asp709Val; replaces aspartic acid 709 with valine.
Molecular consequence: missense variant.
Genome position (GRCh38, 1-based): chr11:47,339,346, T>A on the plus strand (A>T on the coding strand, the complement: MYBPC3 is on the minus strand). VCF-style: chr11-47339346-T-A. GRCh37 (hg19) VCF-style: chr11-47360897-T-A.
Other names: short protein forms D709V.
Identifiers: ClinVar variation 918815 (VCV000918815.6), dbSNP rs1270219308, ClinGen allele CA380320858.